The following is an entry in ClinVar:

NM_003403.5(YY1):c.18C>T (p.Thr6=)

Gene: YY1 (YY1 transcription factor; plus strand). Cytogenetic location: 14q32.2.
Variant type: single nucleotide variant.
Coding change: c.18C>T on transcript NM_003403.5 (MANE Select); coding-DNA position 18, C replaced by T.
Protein change: p.Thr6=; no amino-acid change (threonine 6 retained).
Molecular consequence: synonymous variant.
Genome position (GRCh38, 1-based): chr14:100,239,262, C>T. VCF-style: chr14-100239262-C-T. GRCh37 (hg19) VCF-style: chr14-100705599-C-T.
Identifiers: ClinVar variation 3388085 (VCV003388085.14).

ClinVar aggregate classification (germline): Likely benign (1 of 4 stars; one submission).

gnomAD v4.1: 93 of 1,575,420 alleles (0.0059%); highest among the groups gnomAD compares: East Asian, 0.033%; no homozygotes.

Submission:

CeGaT Center for Human Genetics Tuebingen
Classification: Likely benign. Last evaluated: 2024-10-01. Review status: criteria provided, single submitter. Criteria: CeGaT Center For Human Genetics Tuebingen Variant Classification Criteria Version 2. Collection method: clinical testing. Allele origin: germline. Affected: yes. Observed: 1 variant allele.
Comment: YY1: BP4, BP7